The following is an entry in ClinVar:

ClinVar aggregate classification (germline): Uncertain significance (1 of 4 stars; one submission).

Conditions:
Hermansky-Pudlak syndrome 2 (HPS2). Also called: Platelet defects and oculocutaneous albinism. Identifiers: Orphanet 183678, Orphanet 79430, MedGen C1842362, MONDO:0011997, OMIM 608233.

Submission:

Labcorp Genetics (formerly Invitae), Labcorp
Classification: Uncertain significance for Hermansky-Pudlak syndrome 2. Last evaluated: 2022-06-12. Review status: criteria provided, single submitter. Criteria: Invitae Variant Classification Sherloc (09022015). Collection method: clinical testing. Allele origin: germline.
Comment: This variant, c.1390_1392del, results in the deletion of 1 amino acid(s) of the AP3B1 protein (p.Val464del), but otherwise preserves the integrity of the reading frame. This variant is not present in population databases (gnomAD no frequency). This variant has not been reported in the literature in individuals affected with AP3B1-related conditions. Experimental studies and prediction algorithms are not available or were not evaluated, and the functional significance of this variant is currently unknown. In summary, the available evidence is currently insufficient to determine the role of this variant in disease. Therefore, it has been classified as a Variant of Uncertain Significance.

NM_003664.5(AP3B1):c.1387GTT[1] (p.Val464del)

Gene: AP3B1 (adaptor related protein complex 3 subunit beta 1; minus strand). Cytogenetic location: 5q14.1.
Variant type: Microsatellite.
Coding change: c.1387GTT[1] on transcript NM_003664.5 (MANE Select); one copy of the 3-base unit GTT starting at c.1387; the reference has two copies in a row; one copy, 3 bases deleted.
Protein change: p.Val464del; deletes valine 464.
Molecular consequence: inframe deletion. On other transcripts: inframe indel (1).
Genome position (GRCh38, 1-based): chr5:78,156,339-78,156,341, AAC deleted on the plus strand (GTT on the coding strand, the reverse complement: AP3B1 is on the minus strand); deleting any 3 consecutive bases within chr5:78,156,339-78,156,344 gives the same sequence; the position shown is the placement nearest the transcript's 3' end. VCF-style (leftmost placement, unchanged base first): chr5-78156338-TAAC-T. GRCh37 (hg19) VCF-style: chr5-77452162-TAAC-T.
Other names: c.1240GTT[1], p.Val415del (NM_001271769.2); c.1387_1389GTT[1], p.Val464del (NM_001410752.1); short protein forms V415del, V464del.
Identifiers: ClinVar variation 2005134 (VCV002005134.4), dbSNP rs2531063605, ClinGen allele CA2580613571.